The following is an entry in ClinVar:

NM_000152.5(GAA):c.1484C>T (p.Ala495Val)

Gene: GAA (alpha glucosidase; plus strand). Cytogenetic location: 17q25.3.
Variant type: single nucleotide variant.
Coding change: c.1484C>T on transcript NM_000152.5 (MANE Select); coding-DNA position 1484, C replaced by T.
Protein change: p.Ala495Val; replaces alanine 495 with valine.
Molecular consequence: missense variant.
Genome position (GRCh38, 1-based): chr17:80,110,773, C>T. VCF-style: chr17-80110773-C-T. GRCh37 (hg19) VCF-style: chr17-78084572-C-T.
Other names: c.1484C>T, p.Ala495Val (NM_001079803.3, NM_001079804.3, NM_001406741.1 and 1 more transcripts); short protein forms A495V.
Identifiers: ClinVar variation 2189632 (VCV002189632.4), dbSNP rs1156383084, ClinGen allele CA401366956.

ClinVar aggregate classification (germline): Uncertain significance. Review status: criteria provided, multiple submitters, no conflicts (2 of 4 stars). 2 submissions from 2 submitters: Uncertain significance (2). Last evaluated 2022-06-20.

Conditions:
Glycogen storage disease, type II (IOPD). Also called: POMPE DISEASE, INFANTILE-ONSET; GLYCOGEN STORAGE DISEASE II, INFANTILE-ONSET; ACID ALPHA-GLUCOSIDASE DEFICIENCY, INFANTILE-ONSET; GAA DEFICIENCY, INFANTILE-ONSET; ACID MALTASE DEFICIENCY, INFANTILE-ONSET; GLYCOGENOSIS, GENERALIZED, CARDIAC FORM. Identifiers: Orphanet 365, MedGen C0017921, MONDO:0009290, OMIM 232300.

Allele frequency attached by ClinVar (database versions not stated): gnomAD exomes below 0.00001; TOPMed below 0.00001.
gnomAD v4.1: 2 of 1,614,056 alleles (0.00012%); highest among the groups gnomAD compares: Non-Finnish European, 0.000085%; no homozygotes.

Submissions (2):

Labcorp Genetics (formerly Invitae), Labcorp
Classification: Uncertain significance for Glycogen storage disease, type II. Last evaluated: 2022-06-20. Review status: criteria provided, single submitter. Criteria: Invitae Variant Classification Sherloc (09022015). Collection method: clinical testing. Allele origin: germline.
Comment: This sequence change replaces alanine, which is neutral and non-polar, with valine, which is neutral and non-polar, at codon 495 of the GAA protein (p.Ala495Val). This variant is not present in population databases (gnomAD no frequency). This variant has not been reported in the literature in individuals affected with GAA-related conditions. Advanced modeling of protein sequence and biophysical properties (such as structural, functional, and spatial information, amino acid conservation, physicochemical variation, residue mobility, and thermodynamic stability) performed at Invitae indicates that this missense variant is not expected to disrupt GAA protein function. In summary, the available evidence is currently insufficient to determine the role of this variant in disease. Therefore, it has been classified as a Variant of Uncertain Significance.

Revvity Omics, Revvity
Classification: Uncertain significance. Last evaluated: 2019-12-06. Review status: criteria provided, single submitter. Criteria: ACMG Guidelines, 2015. Collection method: clinical testing. Allele origin: germline.